The following is an entry in ClinVar:

NC_000009.11:g.(?_271627)_(399259_?)dup

Genes: DOCK8 (dedicator of cytokinesis 8; plus strand), LOC126860552 (BRD4-independent group 4 enhancer GRCh37_chr9:285795-286994; plus strand), LOC130001440 (ATAC-STARR-seq lymphoblastoid active region 28116; plus strand), LOC130001439 (ATAC-STARR-seq lymphoblastoid active region 28115; plus strand). Cytogenetic location: 9p24.3.
Variant type: Duplication.
Identifiers: ClinVar variation 584127 (VCV000584127.1).

ClinVar aggregate classification (germline): Likely pathogenic (1 of 4 stars; one submission).

Conditions:
Combined immunodeficiency due to DOCK8 deficiency (HIES2). Also called: DOCK8 Deficiency; Hyper-IgE recurrent infection syndrome, autosomal recessive; HIES autosomal recessive; HYPER-IgE RECURRENT INFECTION SYNDROME 2, AUTOSOMAL RECESSIVE; HYPER-IgE SYNDROME 2, AUTOSOMAL RECESSIVE, WITH RECURRENT INFECTIONS. Identifiers: Orphanet 217390, MedGen C4722305, MONDO:0009478, OMIM 243700.

Submission:

Labcorp Genetics (formerly Invitae), Labcorp
Classification: Likely pathogenic for Hyperimmunoglobulin E recurrent infection syndrome, autosomal recessive. Last evaluated: 2018-01-25. Review status: criteria provided, single submitter. Criteria: Invitae Variant Classification Sherloc (09022015). Collection method: clinical testing. Allele origin: germline.
Comment: This variant is a gross duplication of the genomic region encompassing exons 2-26 of the DOCK8 gene. While the exact position of the duplicated exons cannot be determined from this data, sub-genic duplications are generally in tandem (PMID: 25640679) and may result in an absent or disrupted protein product. This variant has not been reported in the literature in individuals with DOCK8-related disease. Loss-of-function variants in DOCK8 are known to be pathogenic (PMID: 14722525, 19776401). In summary, the currently available evidence indicates that the variant is pathogenic, but additional data are needed to prove that conclusively. Therefore, this variant has been classified as Likely Pathogenic.